The following is an entry in ClinVar:

NM_004656.4(BAP1):c.1773C>T (p.Gly591=)

Gene: BAP1 (BRCA1 associated deubiquitinase 1; minus strand). Cytogenetic location: 3p21.1.
Variant type: single nucleotide variant.
Coding change: c.1773C>T on transcript NM_004656.4 (MANE Select); coding-DNA position 1773, C replaced by T.
Protein change: p.Gly591=; no amino-acid change (glycine 591 retained).
Molecular consequence: synonymous variant.
Genome position (GRCh38, 1-based): chr3:52,403,255, G>A on the plus strand (C>T on the coding strand, the complement: BAP1 is on the minus strand). VCF-style: chr3-52403255-G-A. GRCh37 (hg19) VCF-style: chr3-52437271-G-A.
Other names: c.1719C>T, p.Gly573= (NM_001410772.1).
Identifiers: ClinVar variation 3379102 (VCV003379102.2).

ClinVar aggregate classification (germline): Benign/Likely benign. Review status: criteria provided, multiple submitters, no conflicts (2 of 4 stars). 2 submissions from 2 submitters: Benign (1); Likely benign (1). Last evaluated 2025-09-14.

Conditions:
Hereditary cancer-predisposing syndrome. Also called: Neoplastic Syndromes, Hereditary; Tumor predisposition; Hereditary Cancer Syndrome; Hereditary neoplastic syndrome. Identifiers: Orphanet 140162, MedGen C0027672, MeSH D009386, MONDO:0015356.
BAP1-related tumor predisposition syndrome (TPDS1). Also called: Tumor susceptibility linked to germline BAP1 mutations; COMMON Syndrome; BAP1 tumor predisposition syndrome; TUMOR PREDISPOSITION SYNDROME 1. Identifiers: Orphanet 289539, MedGen C3280492, MONDO:0013692, OMIM 614327.

Submissions (2):

Color Diagnostics, LLC DBA Color Health
Classification: Likely benign for Hereditary cancer-predisposing syndrome. Last evaluated: 2025-09-14. Review status: criteria provided, single submitter. Criteria: ACMG Guidelines, 2015. Collection method: clinical testing. Allele origin: germline.

Myriad Genetics, Inc.
Classification: Benign for BAP1-related tumor predisposition syndrome. Last evaluated: 2024-07-17. Review status: criteria provided, single submitter. Criteria: Myriad Autosomal Dominant, Autosomal Recessive and X-Linked Classification Criteria (2023). Collection method: clinical testing. Allele origin: unknown.
Comment: This variant is considered benign. This variant is a silent/synonymous amino acid change and it is not expected to impact splicing.